The following is an entry in ClinVar:

ClinVar aggregate classification (germline): Uncertain significance (1 of 4 stars; one submission).

gnomAD v4.1: 6 of 1,611,338 alleles (0.00037%); highest among the groups gnomAD compares: Middle Eastern, 0.016%; no homozygotes.

Submission:

Labcorp Genetics (formerly Invitae), Labcorp
Classification: Uncertain significance. Last evaluated: 2023-05-23. Review status: criteria provided, single submitter. Criteria: Invitae Variant Classification Sherloc (09022015). Collection method: clinical testing. Allele origin: germline.
Comment: In summary, the available evidence is currently insufficient to determine the role of this variant in disease. Therefore, it has been classified as a Variant of Uncertain Significance. This variant has not been reported in the literature in individuals affected with NUP205-related conditions. Advanced modeling of protein sequence and biophysical properties (such as structural, functional, and spatial information, amino acid conservation, physicochemical variation, residue mobility, and thermodynamic stability) performed at Invitae indicates that this missense variant is expected to disrupt NUP205 protein function. Algorithms developed to predict the effect of sequence changes on RNA splicing suggest that this variant may create or strengthen a splice site. This sequence change replaces alanine, which is neutral and non-polar, with glycine, which is neutral and non-polar, at codon 1623 of the NUP205 protein (p.Ala1623Gly). This variant is present in population databases (rs763113200, gnomAD 0.003%).

NM_015135.3(NUP205):c.4868C>G (p.Ala1623Gly)

Gene: NUP205 (nucleoporin 205; plus strand). Cytogenetic location: 7q33.
Variant type: single nucleotide variant.
Coding change: c.4868C>G on transcript NM_015135.3 (MANE Select); coding-DNA position 4868, C replaced by G.
Protein change: p.Ala1623Gly; replaces alanine 1623 with glycine.
Molecular consequence: missense variant.
Genome position (GRCh38, 1-based): chr7:135,628,047, C>G. VCF-style: chr7-135628047-C-G. GRCh37 (hg19) VCF-style: chr7-135312795-C-G.
Other names: c.3794C>G, p.Ala1265Gly (NM_001329434.2); short protein forms A1265G, A1623G.
Identifiers: ClinVar variation 2913262 (VCV002913262.3), dbSNP rs763113200, ClinGen allele CA4499008.
Genomic context (GRCh38, chr7:135,628,047, plus strand): 5'-GAGACCCTCCAATGTTCATCCCTACCCCAGTGGATCGCTACCGCCAGATTCTCCTCCCAG[C>G]TCTCCAGCTGTGCCAGGTCATCCTCACATCTAGTATGGCCCAGCACTTGCAGGCAGCAGG-3'
Protein context (NP_055950.2, residues 1613-1633): VDRYRQILLP[Ala1623Gly]LQLCQVILTS